The following is an entry in ClinVar:

ClinVar aggregate classification (germline): Uncertain significance (1 of 4 stars; one submission).

Conditions:
Immunodeficiency-centromeric instability-facial anomalies syndrome 2 (ICF2). Identifiers: Orphanet 2268, MedGen C3279748, MONDO:0013553, OMIM 614069.

Allele frequency attached by ClinVar (database versions not stated): ExAC 0.00001; gnomAD 0.00001; gnomAD exomes 0.00001 and 0.00002; TOPMed 0.00001.
gnomAD v4.1: 13 of 1,614,002 alleles (0.00081%); highest among the groups gnomAD compares: Admixed American, 0.005%; no homozygotes.

Submission:

Labcorp Genetics (formerly Invitae), Labcorp
Classification: Uncertain significance for Immunodeficiency-centromeric instability-facial anomalies syndrome 2. Last evaluated: 2025-04-22. Review status: criteria provided, single submitter. Criteria: Invitae Variant Classification Sherloc (09022015). Collection method: clinical testing. Allele origin: germline.
Comment: This sequence change replaces proline, which is neutral and non-polar, with leucine, which is neutral and non-polar, at codon 406 of the ZBTB24 protein (p.Pro406Leu). This variant is present in population databases (rs752335042, gnomAD 0.006%). This variant has not been reported in the literature in individuals affected with ZBTB24-related conditions. ClinVar contains an entry for this variant (Variation ID: 1446014). An algorithm developed to predict the effect of missense changes on protein structure and function (PolyPhen-2) suggests that this variant is likely to be disruptive. In summary, the available evidence is currently insufficient to determine the role of this variant in disease. Therefore, it has been classified as a Variant of Uncertain Significance.

NM_014797.3(ZBTB24):c.1217C>T (p.Pro406Leu)

Gene: ZBTB24 (zinc finger and BTB domain containing 24; minus strand). Cytogenetic location: 6q21.
Variant type: single nucleotide variant.
Coding change: c.1217C>T on transcript NM_014797.3 (MANE Select); coding-DNA position 1217, C replaced by T.
Protein change: p.Pro406Leu; replaces proline 406 with leucine.
Molecular consequence: missense variant.
Genome position (GRCh38, 1-based): chr6:109,475,470, G>A on the plus strand (C>T on the coding strand, the complement: ZBTB24 is on the minus strand). VCF-style: chr6-109475470-G-A. GRCh37 (hg19) VCF-style: chr6-109796673-G-A.
Other names: short protein forms P406L.
Identifiers: ClinVar variation 1446014 (VCV001446014.4), dbSNP rs752335042, ClinGen allele CA3954133.